The following is an entry in ClinVar:

ClinVar aggregate classification (germline): Conflicting classifications of pathogenicity. Review status: criteria provided, conflicting classifications (1 of 4 stars). 4 submissions from 4 submitters: Uncertain significance (1); Benign (1); Likely benign (2). Last evaluated 2026-01-05.

Conditions:
Polycystic liver disease 2 (PCLD2). Also called: Polycystic liver disease 2 with or without kidney cysts. Identifiers: Orphanet 2924, MedGen C4310769, MONDO:0014860, OMIM 617004.

Allele frequency attached by ClinVar (database versions not stated): gnomAD 0.00014 and 0.00020; gnomAD exomes 0.00020 and 0.00048; TOPMed 0.00042; ExAC 0.00053; 1000 Genomes Project 0.00060; 1000 Genomes Project 30x 0.00094.
gnomAD v4.1: 330 of 1,603,272 alleles (0.021%); highest among the groups gnomAD compares: South Asian, 0.19%; 4 homozygotes.

Submissions (4):

Labcorp Genetics (formerly Invitae), Labcorp
Classification: Likely benign. Last evaluated: 2026-01-05. Review status: criteria provided, single submitter. Criteria: Invitae Variant Classification Sherloc (09022015). Collection method: clinical testing. Allele origin: germline.

Blueprint Genetics
Classification: Likely benign. Last evaluated: 2024-08-15. Review status: criteria provided, single submitter. Criteria: ACMG Guidelines, 2015. Collection method: clinical testing. Allele origin: germline.

Department of Pathology and Laboratory Medicine, Sinai Health System
Classification: Uncertain significance for Polycystic liver disease 2. Last evaluated: 2020-07-21. Review status: criteria provided, single submitter. Criteria: ACMG Guidelines, 2015. Collection method: research. Allele origin: germline.

Illumina Laboratory Services, Illumina
Classification: Benign for Polycystic liver disease 2. Last evaluated: 2018-01-12. Review status: criteria provided, single submitter. Criteria: ICSL Variant Classification Criteria 13 December 2019. Collection method: clinical testing. Allele origin: germline.
Comment: This variant was observed in the ICSL laboratory as part of a predisposition screen in an ostensibly healthy population. It had not been previously curated by ICSL or reported in the Human Gene Mutation Database (HGMD: prior to June 1st, 2018), and was therefore a candidate for classification through an automated scoring system. Utilizing variant allele frequency, disease prevalence and penetrance estimates, and inheritance mode, an automated score was calculated to assess if this variant is too frequent to cause the disease. Based on the score and internal cut-off values, a variant classified as benign is not then subjected to further curation. The score for this variant resulted in a classification of benign for this disease.

NM_007214.5(SEC63):c.1984A>G (p.Thr662Ala)

Gene: SEC63 (SEC63 protein translocation regulator; minus strand). Cytogenetic location: 6q21.
Variant type: single nucleotide variant.
Coding change: c.1984A>G on transcript NM_007214.5 (MANE Select); coding-DNA position 1984, A replaced by G.
Protein change: p.Thr662Ala; replaces threonine 662 with alanine.
Molecular consequence: missense variant.
Genome position (GRCh38, 1-based): chr6:107,876,614, T>C on the plus strand (A>G on the coding strand, the complement: SEC63 is on the minus strand). VCF-style: chr6-107876614-T-C. GRCh37 (hg19) VCF-style: chr6-108197818-T-C.
Other names: short protein forms T662A.
Identifiers: ClinVar variation 906565 (VCV000906565.13), dbSNP rs201416954, ClinGen allele CA3947175.
Genomic context (GRCh38, chr6:107,876,614, plus strand): 5'-TGATAGTTACCTCCTCTGTATCTTTCAGCGTACACACATGATATGGCATGGATATTAATG[T>C]CTGCTCCTTCCTATCTGCAATGTAAAGCCACCACCATTCTTGTTTTTCCTGGAAACAAAA-3'
Protein context (NP_009145.1, residues 652-672): WLYIADRKEQ[Thr662Ala]LISMPYHVCT